The following is an entry in ClinVar:

ClinVar aggregate classification (germline): Uncertain significance (1 of 4 stars; one submission).

Conditions:
Maple syrup urine disease (MSUD). Identifiers: Orphanet 511, MedGen C0024776, MeSH D008375, MONDO:0009563. Disease mechanism: loss of function.

Submission:

Labcorp Genetics (formerly Invitae), Labcorp
Classification: Uncertain significance for Maple syrup urine disease. Last evaluated: 2022-06-18. Review status: criteria provided, single submitter. Criteria: Invitae Variant Classification Sherloc (09022015). Collection method: clinical testing. Allele origin: germline.
Comment: This variant is not present in population databases (gnomAD no frequency). In summary, the available evidence is currently insufficient to determine the role of this variant in disease. Therefore, it has been classified as a Variant of Uncertain Significance. Algorithms developed to predict the effect of missense changes on protein structure and function are either unavailable or do not agree on the potential impact of this missense change (SIFT: "Tolerated"; PolyPhen-2: "Not Available"; Align-GVGD: "Class C0"). This variant has not been reported in the literature in individuals affected with BCKDHB-related conditions. This sequence change replaces alanine, which is neutral and non-polar, with glutamic acid, which is acidic and polar, at codon 16 of the BCKDHB protein (p.Ala16Glu).

NM_183050.4(BCKDHB):c.47C>A (p.Ala16Glu)

Gene: BCKDHB (branched chain keto acid dehydrogenase E1 subunit beta; plus strand). Cytogenetic location: 6q14.1.
Variant type: single nucleotide variant.
Coding change: c.47C>A on transcript NM_183050.4 (MANE Select); coding-DNA position 47, C replaced by A.
Protein change: p.Ala16Glu; replaces alanine 16 with glutamic acid.
Molecular consequence: missense variant. On other transcripts: non-coding transcript variant (1), intron variant (1).
Genome position (GRCh38, 1-based): chr6:80,106,740, C>A. VCF-style: chr6-80106740-C-A. GRCh37 (hg19) VCF-style: chr6-80816457-C-A.
Other names: c.47C>A, p.Ala16Glu (NM_000056.5); c.-15+57C>A (NM_001318975.1); short protein forms A16E.
Identifiers: ClinVar variation 1361668 (VCV001361668.8), dbSNP rs537680296, ClinGen allele CA364657999.